The following is an entry in ClinVar:

ClinVar aggregate classification (germline): Conflicting classifications of pathogenicity. Review status: criteria provided, conflicting classifications (1 of 4 stars). 9 submissions from 7 submitters: Uncertain significance (8); Likely benign (1). Last evaluated 2026-08-25.

Conditions:
Cardiovascular phenotype. Identifiers: MedGen CN230736.
Ehlers-Danlos syndrome, arthrochalasia type. Also called: ARTHROCHALASIS MULTIPLEX CONGENITA; EDS VII, MUTANT PROCOLLAGEN TYPE; EDS VIIA; Ehlers-Danlos syndrome, arthrochalasia type, 1; Ehlers-Danlos syndrome, arthrochalasis type. Identifiers: Orphanet 1899, Orphanet 99875, Orphanet 99876, MedGen C4551623, MONDO:0007525, OMIM 130060.
Osteogenesis imperfecta (OI). Identifiers: Orphanet 666, MedGen C0029434, MeSH D010013, MONDO:0019019.
Infantile cortical hyperostosis. Also called: Caffey Disease; P1PK BLOOD GROUP SYSTEM, P(2) PHENOTYPE; Hyperostosis, Cortical, Congenital. Identifiers: Orphanet 1310, MedGen C0020497, MONDO:0007244, OMIM 114000.
COL1A1-related disorder. Also called: COL1A1- related disease; COL1A1-related condition.
Osteogenesis imperfecta type I (OI1). Also called: OI, TYPE I; OSTEOGENESIS IMPERFECTA TARDA; OSTEOGENESIS IMPERFECTA WITH BLUE SCLERAE; Osteogenesis imperfecta type 1; Lobstein's Disease; Classic Non-deforming Osteogenesis Imperfecta with Blue Sclerae. Identifiers: Orphanet 216796, Orphanet 666, MedGen C0023931, MONDO:0008146, OMIM 166200. Disease mechanism: loss of function.

Allele frequency attached by ClinVar (database versions not stated): gnomAD 0.00001 and 0.00002; ExAC 0.00002; gnomAD exomes 0.00002 and 0.00003; TOPMed 0.00003; 1000 Genomes Project 30x 0.00016; 1000 Genomes Project 0.00020; ESP Exome Variant Server 0.00023.
gnomAD v4.1: 49 of 1,613,772 alleles (0.003%); highest among the groups gnomAD compares: Non-Finnish European, 0.0042%; no homozygotes.

Submissions (9):

PreventionGenetics, part of Exact Sciences
Classification: Uncertain significance for COL1A1-related condition. Last evaluated: 2026-08-25. Review status: criteria provided, single submitter. Criteria: ACMG Guidelines, 2015. Collection method: clinical testing. Allele origin: germline.
Comment: The COL1A1 c.3733A>T variant is predicted to result in the amino acid substitution p.Ile1245Phe. To our knowledge, this variant has not been reported in the literature. This variant is reported in 0.0046% of alleles (6/129,128) in individuals of European (non-Finnish) descent in gnomADv2 (as displayed in the table above) and in gnomAD v4 (available only on GRCh38), this variant is reported in 0.0042% of alleles (49/1,180,030) in the same subpopulation. This population data is not consistent with this variant being a primary cause of disease. This variant has conflicting classifications listed in ClinVar ranging from likely benign to uncertain (Variation ID: 287066). Although we suspect that this variant may be benign, at this time, the clinical significance of this variant is uncertain due to the absence of conclusive functional and genetic evidence.

Labcorp Genetics (formerly Invitae), Labcorp
Classification: Likely benign for Osteogenesis imperfecta type I. Last evaluated: 2026-01-02. Review status: criteria provided, single submitter. Criteria: Invitae Variant Classification Sherloc (09022015). Collection method: clinical testing. Allele origin: germline.

Ambry Genetics
Classification: Uncertain significance for Cardiovascular phenotype. Last evaluated: 2025-02-28. Review status: criteria provided, single submitter. Criteria: Ambry Variant Classification Scheme 2023. Collection method: clinical testing. Allele origin: germline.
Comment: The p.I1245F variant (also known as c.3733A>T), located in coding exon 48 of the COL1A1 gene, results from an A to T substitution at nucleotide position 3733. The isoleucine at codon 1245 is replaced by phenylalanine, an amino acid with highly similar properties. This amino acid position is well conserved in available vertebrate species. In addition, the in silico prediction for this alteration is inconclusive. Since supporting evidence is limited at this time, the clinical significance of this alteration remains unclear.

Mayo Clinic Laboratories, Mayo Clinic
Classification: Uncertain significance. Last evaluated: 2023-01-26. Review status: criteria provided, single submitter. Criteria: ACMG Guidelines, 2015. Collection method: clinical testing. Allele origin: germline. Observed: 1 variant allele.

GeneDx
Classification: Uncertain significance. Last evaluated: 2020-07-28. Review status: criteria provided, single submitter. Criteria: GeneDx Variant Classification Process June 2021. Collection method: clinical testing. Allele origin: germline. Affected: yes.
Comment: Has not been previously published as pathogenic or benign to our knowledge; In silico analysis supports that this missense variant has a deleterious effect on protein structure/function; Not located in the triple helical region, where the majority of pathogenic missense variants occur (Stenson et al., 2014); Reported in ClinVar as a variant of uncertain significance (ClinVar Variant ID# 287066; Landrum et al., 2016)

Illumina Laboratory Services, Illumina
Classification: Uncertain significance for Osteogenesis imperfecta. Last evaluated: 2017-04-27. Review status: criteria provided, single submitter. Criteria: ICSL Variant Classification Criteria 13 December 2019. Collection method: clinical testing. Allele origin: germline.

Illumina Laboratory Services, Illumina
Classification: Uncertain significance for Ehlers-Danlos syndrome, arthrochalasia type. Last evaluated: 2017-04-27. Review status: criteria provided, single submitter. Criteria: ICSL Variant Classification Criteria 13 December 2019. Collection method: clinical testing. Allele origin: germline.

Illumina Laboratory Services, Illumina
Classification: Uncertain significance for Infantile cortical hyperostosis. Last evaluated: 2017-04-27. Review status: criteria provided, single submitter. Criteria: ICSL Variant Classification Criteria 13 December 2019. Collection method: clinical testing. Allele origin: germline.

Eurofins Ntd Llc (ga)
Classification: Uncertain significance. Last evaluated: 2016-05-19. Review status: criteria provided, single submitter. Criteria: EGL Classification Definitions 2015. Collection method: clinical testing. Allele origin: germline. Observed: 1 variant allele, 1 heterozygote.

NM_000088.4(COL1A1):c.3733A>T (p.Ile1245Phe)

Gene: COL1A1 (collagen type I alpha 1 chain; minus strand). Cytogenetic location: 17q21.33.
Variant type: single nucleotide variant.
Coding change: c.3733A>T on transcript NM_000088.4 (MANE Select); coding-DNA position 3733, A replaced by T.
Protein change: p.Ile1245Phe; replaces isoleucine 1245 with phenylalanine.
Molecular consequence: missense variant.
Genome position (GRCh38, 1-based): chr17:50,186,721, T>A on the plus strand (A>T on the coding strand, the complement: COL1A1 is on the minus strand). VCF-style: chr17-50186721-T-A. GRCh37 (hg19) VCF-style: chr17-48264082-T-A.
Other names: p.Ile1245Phe; short protein forms I1245F.
Identifiers: ClinVar variation 287066 (VCV000287066.25), dbSNP rs199514372, ClinGen allele CA8644370.